The following is an entry in ClinVar:

ClinVar aggregate classification (germline): Uncertain significance (1 of 4 stars; one submission).

Allele frequency attached by ClinVar (database versions not stated): gnomAD exomes below 0.00001; TOPMed below 0.00001.
gnomAD v4.1: 2 of 1,612,702 alleles (0.00012%); highest among the groups gnomAD compares: African/African-American, 0.0027%; no homozygotes.

Submission:

Labcorp Genetics (formerly Invitae), Labcorp
Classification: Uncertain significance. Last evaluated: 2022-10-25. Review status: criteria provided, single submitter. Criteria: Invitae Variant Classification Sherloc (09022015). Collection method: clinical testing. Allele origin: germline.
Comment: Advanced modeling of protein sequence and biophysical properties (such as structural, functional, and spatial information, amino acid conservation, physicochemical variation, residue mobility, and thermodynamic stability) performed at Invitae indicates that this missense variant is not expected to disrupt ABCA4 protein function. ClinVar contains an entry for this variant (Variation ID: 1045847). This variant has not been reported in the literature in individuals affected with ABCA4-related conditions. This variant is present in population databases (no rsID available, gnomAD 0.007%). This sequence change replaces alanine, which is neutral and non-polar, with threonine, which is neutral and polar, at codon 793 of the ABCA4 protein (p.Ala793Thr). In summary, the available evidence is currently insufficient to determine the role of this variant in disease. Therefore, it has been classified as a Variant of Uncertain Significance.

NM_000350.3(ABCA4):c.2377G>A (p.Ala793Thr)

Gene: ABCA4 (ATP binding cassette subfamily A member 4; minus strand). Cytogenetic location: 1p22.1.
Variant type: single nucleotide variant.
Coding change: c.2377G>A on transcript NM_000350.3 (MANE Select); coding-DNA position 2377, G replaced by A.
Protein change: p.Ala793Thr; replaces alanine 793 with threonine.
Molecular consequence: missense variant.
Genome position (GRCh38, 1-based): chr1:94,056,606, C>T on the plus strand (G>A on the coding strand, the complement: ABCA4 is on the minus strand). VCF-style: chr1-94056606-C-T. GRCh37 (hg19) VCF-style: chr1-94522162-C-T.
Other names: short protein forms A793T.
Identifiers: ClinVar variation 1045847 (VCV001045847.8), dbSNP rs1375925632, ClinGen allele CA341277662.